The following is an entry in ClinVar:

ClinVar aggregate classification (germline): Conflicting classifications of pathogenicity. Review status: criteria provided, conflicting classifications (1 of 4 stars). 2 submissions from 2 submitters: Uncertain significance (1); Benign (1). Last evaluated 2025-03-07.

Conditions:
KMT2D-related disorder. Also called: KMT2D-Related Disorders.
Kabuki syndrome. Also called: Kabuki make-up syndrome; NIIKAWA-KUROKI SYNDROME. Identifiers: Orphanet 2322, MedGen C0796004, MONDO:0016512.

Allele frequency attached by ClinVar (database versions not stated): gnomAD 0.00001; gnomAD exomes 0.00001 and 0.00007; TOPMed 0.00001; ExAC 0.00009.
gnomAD v4.1: 23 of 1,605,356 alleles (0.0014%); highest among the groups gnomAD compares: Admixed American, 0.02%; no homozygotes.

Submissions (2):

Labcorp Genetics (formerly Invitae), Labcorp
Classification: Benign for Kabuki syndrome. Last evaluated: 2025-03-07. Review status: criteria provided, single submitter. Criteria: Invitae Variant Classification Sherloc (09022015). Collection method: clinical testing. Allele origin: germline.

PreventionGenetics, part of Exact Sciences
Classification: Uncertain significance for KMT2D-related condition. Last evaluated: 2022-11-10. Review status: criteria provided, single submitter. Criteria: ACMG Guidelines, 2015. Collection method: clinical testing. Allele origin: germline.
Comment: The KMT2D c.12911C>T variant is predicted to result in the amino acid substitution p.Pro4304Leu. To our knowledge, this variant has not been reported in the literature. This variant is reported in 0.029% of alleles in individuals of Latino descent in gnomAD which is likely too common for a pathogenic variant in KMT2D. Although we suspect that this variant may be benign, at this time, the clinical significance of this variant is uncertain due to the absence of conclusive functional and genetic evidence.

NM_003482.4(KMT2D):c.12911C>T (p.Pro4304Leu)

Gene: KMT2D (lysine methyltransferase 2D; minus strand). Cytogenetic location: 12q13.12.
Variant type: single nucleotide variant.
Coding change: c.12911C>T on transcript NM_003482.4 (MANE Select); coding-DNA position 12911, C replaced by T.
Protein change: p.Pro4304Leu; replaces proline 4304 with leucine.
Molecular consequence: missense variant.
Genome position (GRCh38, 1-based): chr12:49,031,794, G>A on the plus strand (C>T on the coding strand, the complement: KMT2D is on the minus strand). VCF-style: chr12-49031794-G-A. GRCh37 (hg19) VCF-style: chr12-49425577-G-A.
Other names: c.12911C>T (NM_003482.3); short protein forms P4304L.
Identifiers: ClinVar variation 1055721 (VCV001055721.9), dbSNP rs760819349, ClinGen allele CA6546107.